The following is an entry in ClinVar:

NM_182760.4(SUMF1):c.529G>C (p.Ala177Pro)

Gene: SUMF1 (sulfatase modifying factor 1; minus strand). Cytogenetic location: 3p26.1.
Variant type: single nucleotide variant.
Coding change: c.529G>C on transcript NM_182760.4 (MANE Select); coding-DNA position 529, G replaced by C.
Protein change: p.Ala177Pro; replaces alanine 177 with proline.
Molecular consequence: missense variant.
Genome position (GRCh38, 1-based): chr3:4,420,137, C>G on the plus strand (G>C on the coding strand, the complement: SUMF1 is on the minus strand). VCF-style: chr3-4420137-C-G. GRCh37 (hg19) VCF-style: chr3-4461821-C-G.
Other names: c.454G>C, p.Ala152Pro (NM_001164674.2); c.529G>C, p.Ala177Pro (NM_001164675.2); c.529G>C (NM_182760.3); short protein forms A152P, A177P.
Identifiers: ClinVar variation 987035 (VCV000987035.11), dbSNP rs1359106679, ClinGen allele CA351633036.

ClinVar aggregate classification (germline): Pathogenic/Likely pathogenic. Review status: criteria provided, multiple submitters, no conflicts (2 of 4 stars). 4 submissions from 4 submitters: Pathogenic (3); Likely pathogenic (1). Last evaluated 2025-03-12.

Conditions:
Multiple sulfatase deficiency (MSD). Also called: Multiple Sulfatase Deficiency Disease; Mucosulfatidosis; Sulfatidosis, Juvenile, Austin Type. Identifiers: Orphanet 585, MedGen C0268263, MONDO:0010088, OMIM 272200.

gnomAD v4.1: 1 of 1,613,972 alleles (0.000062%); no homozygotes.

Submissions (4):

Natera, Inc.
Classification: Likely pathogenic for Multiple sulfatase deficiency. Last evaluated: 2025-03-12. Review status: criteria provided, single submitter. Criteria: Natera Variant Classification Schema (03/2026). Collection method: clinical testing. Allele origin: germline.
Comment: The c.529G>C variant in SUMF1 is a missense variant predicted to cause substitution of alanine to proline at amino acid 177. This variant is rare in the general population with a frequency below the threshold expected for the associated phenotype(s). This variant has been observed in one or more individuals affected with the associated recessive disease, as either homozygous or compound heterozygous with a second variant (PMID: 15146462). Functional studies show that this variant may disrupt protein function (PMID: 18157819). Computational prediction algorithms indicate this variant is likely to affect gene or protein function. Given the available evidence, this variant is classified as Likely Pathogenic.

Women's Health and Genetics/Laboratory Corporation of America, LabCorp
Classification: Pathogenic for Multiple sulfatase deficiency. Last evaluated: 2024-07-05. Review status: criteria provided, single submitter. Criteria: LabCorp Variant Classification Summary - May 2015. Collection method: clinical testing. Allele origin: germline.
Comment: Variant summary: SUMF1 c.529G>C (p.Ala177Pro) results in a non-conservative amino acid change located in the Sulfatase-modifying factor enzyme domain (IPR005532) of the encoded protein sequence. Five of five in-silico tools predict a damaging effect of the variant on protein function. The variant was absent in 251242 control chromosomes. c.529G>C has been reported in the literature in biallelic individuals affected with Multiple Sulfatase Deficiency (e.g. Cosma_2004, Beck-Wodl_2021). These data indicate that the variant is likely to be associated with disease. At least one publication reports experimental evidence evaluating an impact on protein function. The most pronounced variant effect results in <10% of normal sulfatase activity in transfected cells (e.g. Cosma_2004, Schlotawa_2008). The following publications have been ascertained in the context of this evaluation (PMID: 33728250, 15146462, 18157819). ClinVar contains an entry for this variant (Variation ID: 987035). Based on the evidence outlined above, the variant was classified as pathogenic.

Labcorp Genetics (formerly Invitae), Labcorp
Classification: Pathogenic for Multiple sulfatase deficiency. Last evaluated: 2022-06-15. Review status: criteria provided, single submitter. Criteria: Invitae Variant Classification Sherloc (09022015). Collection method: clinical testing. Allele origin: germline.
Comment: This variant is not present in population databases (gnomAD no frequency). This missense change has been observed in individual(s) with multiple sulfatase deficiency and/or SUMF1-related conditions (PMID: 15146462, 33728250). ClinVar contains an entry for this variant (Variation ID: 987035). Algorithms developed to predict the effect of missense changes on protein structure and function are either unavailable or do not agree on the potential impact of this missense change (SIFT: "Deleterious"; PolyPhen-2: "Benign"; Align-GVGD: "Class C25"). Experimental studies have shown that this missense change affects SUMF1 function (PMID: 15146462, 18157819, 21224894). For these reasons, this variant has been classified as Pathogenic. This sequence change replaces alanine, which is neutral and non-polar, with proline, which is neutral and non-polar, at codon 177 of the SUMF1 protein (p.Ala177Pro).

Institute of Medical Genetics and Applied Genomics, University Hospital Tübingen
Classification: Pathogenic. Last evaluated: 2020-10-23. Review status: criteria provided, single submitter. Criteria: ACMG Guidelines, 2015. Collection method: clinical testing. Allele origin: germline. Inheritance: Autosomal recessive inheritance. Affected: yes.

Literature cited by the submitters: PubMed 15146462 (cited by 3 submitters); PubMed 18157819 (cited by 3 submitters); PubMed 33728250 (cited by Women's Health and Genetics/Laboratory Corporation of America, LabCorp and Labcorp Genetics (formerly Invitae), Labcorp); PubMed 21224894 (cited by Labcorp Genetics (formerly Invitae), Labcorp).